The following is an entry in ClinVar:

ClinVar aggregate classification (germline): Uncertain significance. Review status: criteria provided, multiple submitters, no conflicts (2 of 4 stars). 5 submissions from 5 submitters: Uncertain significance (5). Last evaluated 2024-09-09.

Conditions:
HNSHA due to aldolase A deficiency (GSD12). Also called: RED CELL ALDOLASE DEFICIENCY; Glycogen storage disease due to aldolase A deficiency; GLYCOGEN STORAGE DISEASE XII; GSD XII. Identifiers: Orphanet 57, MedGen C0272066, MONDO:0012747, OMIM 611881.

Allele frequency attached by ClinVar (database versions not stated): ExAC 0.00008; gnomAD exomes 0.00012 and 0.00030; gnomAD 0.00016 and 0.00017; TOPMed 0.00020; ESP Exome Variant Server 0.00046.
gnomAD v4.1: 463 of 1,613,966 alleles (0.029%); highest among the groups gnomAD compares: Middle Eastern, 0.049%; no homozygotes.

Submissions (5):

Revvity Omics, Revvity
Classification: Uncertain significance for HNSHA due to aldolase A deficiency. Last evaluated: 2024-09-09. Review status: criteria provided, single submitter. Criteria: ACMG Guidelines, 2015. Collection method: clinical testing. Allele origin: germline.

CeGaT Center for Human Genetics Tuebingen
Classification: Uncertain significance. Last evaluated: 2023-09-01. Review status: criteria provided, single submitter. Criteria: CeGaT Center For Human Genetics Tuebingen Variant Classification Criteria Version 2. Collection method: clinical testing. Allele origin: germline. Affected: yes. Observed: 1 variant allele.
Comment: ALDOA: PM2, BP4

Mayo Clinic Laboratories, Mayo Clinic
Classification: Uncertain significance. Last evaluated: 2022-08-25. Review status: criteria provided, single submitter. Criteria: ACMG Guidelines, 2015. Collection method: clinical testing. Allele origin: germline. Observed: 1 variant allele.
Comment: BP4

Labcorp Genetics (formerly Invitae), Labcorp
Classification: Uncertain significance for HNSHA due to aldolase A deficiency. Last evaluated: 2022-08-11. Review status: criteria provided, single submitter. Criteria: Invitae Variant Classification Sherloc (09022015). Collection method: clinical testing. Allele origin: germline.
Comment: This sequence change replaces histidine, which is basic and polar, with tyrosine, which is neutral and polar, at codon 246 of the ALDOA protein (p.His246Tyr). This variant is present in population databases (rs144693278, gnomAD 0.02%). This variant has not been reported in the literature in individuals affected with ALDOA-related conditions. ClinVar contains an entry for this variant (Variation ID: 617972). Algorithms developed to predict the effect of missense changes on protein structure and function (SIFT, PolyPhen-2, Align-GVGD) all suggest that this variant is likely to be tolerated. In summary, the available evidence is currently insufficient to determine the role of this variant in disease. Therefore, it has been classified as a Variant of Uncertain Significance.

ARUP Laboratories, Molecular Genetics and Genomics, ARUP Laboratories
Classification: Uncertain significance. Last evaluated: 2018-02-09. Review status: criteria provided, single submitter. Criteria: ARUP Molecular Germline Variant Investigation Process. Collection method: clinical testing. Allele origin: germline.

NM_001243177.4(ALDOA):c.898C>T (p.His300Tyr)

Genes: ALDOA (aldolase, fructose-bisphosphate A; plus strand), LOC112694756 (uncharaterized LOC112694756; plus strand). Cytogenetic location: 16p11.2.
Variant type: single nucleotide variant.
Coding change: c.898C>T on transcript NM_001243177.4 (MANE Select); coding-DNA position 898, C replaced by T.
Protein change: p.His300Tyr; replaces histidine 300 with tyrosine.
Molecular consequence: missense variant. On other transcripts: 3 prime UTR variant (3).
Genome position (GRCh38, 1-based): chr16:30,069,610, C>T. VCF-style: chr16-30069610-C-T. GRCh37 (hg19) VCF-style: chr16-30080931-C-T.
Other names: NM_000034.3:c.736C>T; c.*1245C>T (NM_001365304.2, NM_001365305.2, NM_001365307.2); c.736C>T, p.His246Tyr (NM_001127617.2, NM_184041.5, NM_184043.2); short protein forms H246Y, H300Y.
Identifiers: ClinVar variation 617972 (VCV000617972.39), dbSNP rs144693278, ClinGen allele CA8001110.
Genomic context (GRCh38, chr16:30,069,610, plus strand): 5'-GGCACCTTGCTGAAGCCCAACATGGTCACCCCAGGCCATGCTTGCACTCAGAAGTTTTCT[C>T]ATGAGGAGATTGCCATGGCGACCGTCACAGCGCTGCGCCGCACAGTGCCCCCCGCTGTCA-3'
Protein context (NP_001230106.1, residues 290-310): PGHACTQKFS[His300Tyr]EEIAMATVTA